The following is an entry in ClinVar:

ClinVar aggregate classification (germline): Benign. Review status: criteria provided, multiple submitters, no conflicts (2 of 4 stars). 3 submissions from 3 submitters: Benign (2). 1 of the submissions does not count toward it. Last evaluated 2019-12-31.

Conditions:
TDRD9-related disorder. Also called: TDRD9-related condition.

Allele frequency attached by ClinVar (database versions not stated): gnomAD exomes 0.00177 and 0.00469; ExAC 0.00580; gnomAD 0.01817 and 0.01961; 1000 Genomes Project 0.01977; TOPMed 0.02078; ESP Exome Variant Server 0.02214; 1000 Genomes Project 30x 0.02233.
gnomAD v4.1: 5,444 of 1,613,954 alleles (0.34%); highest among the groups gnomAD compares: African/African-American, 6.5%; 158 homozygotes.

Submissions (3):

Labcorp Genetics (formerly Invitae), Labcorp
Classification: Benign. Last evaluated: 2019-12-31. Review status: criteria provided, single submitter. Criteria: Invitae Variant Classification Sherloc (09022015). Collection method: clinical testing. Allele origin: germline.

Breakthrough Genomics
Classification: Benign. Review status: criteria provided, single submitter. Criteria: ACMG Guidelines, 2015. Collection method: not provided. Allele origin: germline. Inheritance: Autosomal recessive inheritance. Affected: yes.

PreventionGenetics, part of Exact Sciences
Classification: Benign for TDRD9-related condition. Last evaluated: 2019-04-11. Review status: no assertion criteria provided. Collection method: clinical testing. Allele origin: germline. Not counted in ClinVar's aggregate classification.
Comment: This variant is classified as benign based on ACMG/AMP sequence variant interpretation guidelines (Richards et al. 2015 PMID: 25741868, with internal and published modifications).

NM_153046.3(TDRD9):c.2808G>C (p.Leu936=)

Gene: TDRD9 (tudor domain containing 9; plus strand). Cytogenetic location: 14q32.33.
Variant type: single nucleotide variant.
Coding change: c.2808G>C on transcript NM_153046.3 (MANE Select); coding-DNA position 2808, G replaced by C.
Protein change: p.Leu936=; no amino-acid change (leucine 936 retained).
Molecular consequence: synonymous variant.
Genome position (GRCh38, 1-based): chr14:104,025,653, G>C. VCF-style: chr14-104025653-G-C. GRCh37 (hg19) VCF-style: chr14-104491990-G-C.
Identifiers: ClinVar variation 787417 (VCV000787417.7), dbSNP rs35463712, ClinGen allele CA7368953.